The following is an entry in ClinVar:

ClinVar aggregate classification (germline): Likely pathogenic (1 of 4 stars; one submission).

Submission:

GeneDx
Classification: Likely pathogenic. Last evaluated: 2023-12-20. Review status: criteria provided, single submitter. Criteria: GeneDx Variant Classification Process June 2021. Collection method: clinical testing. Allele origin: germline. Affected: yes.
Comment: Frameshift variant predicted to result in protein truncation or nonsense mediated decay in a gene for which loss of function is a known mechanism of disease; Not observed at significant frequency in large population cohorts (gnomAD); Has not been previously published as pathogenic or benign to our knowledge

NM_005422.4(TECTA):c.1325_1335del (p.Gln442fs)

Genes: TBCEL-TECTA (TBCEL-TECTA readthrough; plus strand), TECTA (tectorin alpha; plus strand). Cytogenetic location: 11q23.3.
Variant type: Deletion.
Coding change: c.1325_1335del on transcript NM_005422.4 (MANE Select); coding-DNA positions 1325 to 1335, 11 bases deleted (AGCACTACGCC).
Protein change: p.Gln442fs; shifts the reading frame from glutamine 442.
Molecular consequence: frameshift variant.
Genome position (GRCh38, 1-based): chr11:121,125,423-121,125,433, AGCACTACGCC deleted; deleting any 11 consecutive bases within chr11:121,125,420-121,125,433 gives the same sequence; the c. name uses the placement nearest the transcript's 3' end. VCF-style (leftmost placement, unchanged base first): chr11-121125419-GGCCAGCACTAC-G. GRCh37 (hg19) VCF-style: chr11-120996128-GGCCAGCACTAC-G.
Other names: c.2282_2292del, p.Gln761fs (NM_001378761.1); short protein forms Q442fs, Q761fs.
Identifiers: ClinVar variation 3342774 (VCV003342774.1).